The following is an entry in ClinVar:

ClinVar aggregate classification (germline): Conflicting classifications of pathogenicity. Review status: criteria provided, conflicting classifications (1 of 4 stars). 2 submissions from 2 submitters: Uncertain significance (1); Likely benign (1). Last evaluated 2025-09-07.

Conditions:
Hereditary cancer-predisposing syndrome. Also called: Neoplastic Syndromes, Hereditary; Hereditary neoplastic syndrome; Hereditary Cancer Syndrome; Tumor predisposition. Identifiers: Orphanet 140162, MedGen C0027672, MeSH D009386, MONDO:0015356.
Hereditary diffuse gastric adenocarcinoma (HDGC). Also called: DIFFUSE GASTRIC AND LOBULAR BREAST CANCER SYNDROME. Identifiers: Orphanet 26106, MedGen C1708349, MONDO:0007648, OMIM 137215.

gnomAD v4.1: 2 of 1,614,166 alleles (0.00012%); highest among the groups gnomAD compares: Non-Finnish European, 0.00017%; no homozygotes.

Submissions (2):

Ambry Genetics
Classification: Likely benign for Hereditary cancer-predisposing syndrome. Last evaluated: 2025-09-07. Review status: criteria provided, single submitter. Criteria: Ambry Variant Classification Scheme 2023. Collection method: clinical testing. Allele origin: germline.

Labcorp Genetics (formerly Invitae), Labcorp
Classification: Uncertain significance for Hereditary diffuse gastric adenocarcinoma. Last evaluated: 2021-06-18. Review status: criteria provided, single submitter. Criteria: Invitae Variant Classification Sherloc (09022015). Collection method: clinical testing. Allele origin: germline.
Comment: In summary, the available evidence is currently insufficient to determine the role of this variant in disease. Therefore, it has been classified as a Variant of Uncertain Significance. Algorithms developed to predict the effect of missense changes on protein structure and function output the following: SIFT: "Tolerated"; PolyPhen-2: "Benign"; Align-GVGD: "Class C0". The alanine amino acid residue is found in multiple mammalian species, suggesting that this missense change does not adversely affect protein function. These predictions have not been confirmed by published functional studies and their clinical significance is uncertain. This variant has not been reported in the literature in individuals with CDH1-related conditions. This variant is not present in population databases (ExAC no frequency). This sequence change replaces threonine with alanine at codon 599 of the CDH1 protein (p.Thr599Ala). The threonine residue is weakly conserved and there is a small physicochemical difference between threonine and alanine.

NM_004360.5(CDH1):c.1795A>G (p.Thr599Ala)

Gene: CDH1 (cadherin 1; plus strand). Cytogenetic location: 16q22.1.
Variant type: single nucleotide variant.
Coding change: c.1795A>G on transcript NM_004360.5 (MANE Select); coding-DNA position 1795, A replaced by G.
Protein change: p.Thr599Ala; replaces threonine 599 with alanine.
Molecular consequence: missense variant. On other transcripts: 5 prime UTR variant (1).
Genome position (GRCh38, 1-based): chr16:68,822,084, A>G. VCF-style: chr16-68822084-A-G. GRCh37 (hg19) VCF-style: chr16-68855987-A-G.
Other names: c.1612A>G, p.Thr538Ala (NM_001317184.2); c.247A>G, p.Thr83Ala (NM_001317185.2); c.-171A>G (NM_001317186.2); c.1795A>G (NM_004360.3); short protein forms T83A, T599A, T538A.
Identifiers: ClinVar variation 1401664 (VCV001401664.10), dbSNP rs2152138313, ClinGen allele CA396466683.